The following is an entry in ClinVar:

NM_015672.2(RIMBP3):c.2425G>A (p.Val809Met)

Gene: RIMBP3 (RIMS binding protein 3; minus strand). Cytogenetic location: 22q11.21.
Variant type: single nucleotide variant.
Coding change: c.2425G>A on transcript NM_015672.2 (MANE Select); coding-DNA position 2425, G replaced by A.
Protein change: p.Val809Met; replaces valine 809 with methionine.
Molecular consequence: missense variant.
Genome position (GRCh38, 1-based): chr22:18,609,010, C>T on the plus strand (G>A on the coding strand, the complement: RIMBP3 is on the minus strand). VCF-style: chr22-18609010-C-T. GRCh37 (hg19) VCF-style: chr22-20458877-C-T.
Other names: short protein forms V809M.
Identifiers: ClinVar variation 2549725 (VCV002549725.9), dbSNP rs1158370993, ClinGen allele CA410849117.

ClinVar aggregate classification (germline): Uncertain significance. Review status: criteria provided, multiple submitters, no conflicts (2 of 4 stars). 2 submissions from 2 submitters: Uncertain significance (2). Last evaluated 2025-09-01.

Allele frequency attached by ClinVar (database versions not stated): 1000 Genomes Project 30x 0.00016.

Submissions (2):

CeGaT Center for Human Genetics Tuebingen
Classification: Uncertain significance. Last evaluated: 2025-09-01. Review status: criteria provided, single submitter. Criteria: CeGaT Center For Human Genetics Tuebingen Variant Classification Criteria Version 2. Collection method: clinical testing. Allele origin: germline. Affected: yes. Observed: 1 variant allele.
Comment: RIMBP3: PP2

Ambry Genetics
Classification: Uncertain significance. Last evaluated: 2023-05-23. Review status: criteria provided, single submitter. Criteria: Ambry Variant Classification Scheme 2023. Collection method: clinical testing. Allele origin: germline.